The following is an entry in ClinVar:

ClinVar aggregate classification (germline): Uncertain significance. Review status: criteria provided, multiple submitters, no conflicts (2 of 4 stars). 2 submissions from 2 submitters: Uncertain significance (2). Last evaluated 2024-07-18.

Conditions:
Inborn genetic diseases. Identifiers: MedGen C0950123, MeSH D030342.
Cowden syndrome 6 (CWS6). Identifiers: Orphanet 201, MedGen C3554519, MONDO:0014048, OMIM 615109.

Submissions (2):

Ambry Genetics
Classification: Uncertain significance for Inborn genetic diseases. Last evaluated: 2024-07-18. Review status: criteria provided, single submitter. Criteria: Ambry Variant Classification Scheme 2023. Collection method: clinical testing. Allele origin: germline.
Comment: The p.E459K variant (also known as c.1375G>A), located in coding exon 13 of the AKT1 gene, results from a G to A substitution at nucleotide position 1375. The glutamic acid at codon 459 is replaced by lysine, an amino acid with similar properties. This amino acid position is conserved. In addition, this alteration is predicted to be tolerated by in silico analysis. Based on the available evidence, the clinical significance of this variant remains unclear.

Labcorp Genetics (formerly Invitae), Labcorp
Classification: Uncertain significance for Cowden syndrome 6. Last evaluated: 2024-07-15. Review status: criteria provided, single submitter. Criteria: Invitae Variant Classification Sherloc (09022015). Collection method: clinical testing. Allele origin: germline.
Comment: This sequence change replaces glutamic acid, which is acidic and polar, with lysine, which is basic and polar, at codon 459 of the AKT1 protein (p.Glu459Lys). This variant is not present in population databases (gnomAD no frequency). This variant has not been reported in the literature in individuals affected with AKT1-related conditions. An algorithm developed to predict the effect of missense changes on protein structure and function (PolyPhen-2) suggests that this variant is likely to be tolerated. In summary, the available evidence is currently insufficient to determine the role of this variant in disease. Therefore, it has been classified as a Variant of Uncertain Significance.

NM_001382430.1(AKT1):c.1375G>A (p.Glu459Lys)

Gene: AKT1 (AKT serine/threonine kinase 1; minus strand). Cytogenetic location: 14q32.33.
Variant type: single nucleotide variant.
Coding change: c.1375G>A on transcript NM_001382430.1 (MANE Select); coding-DNA position 1375, G replaced by A.
Protein change: p.Glu459Lys; replaces glutamic acid 459 with lysine.
Molecular consequence: missense variant.
Genome position (GRCh38, 1-based): chr14:104,770,409, C>T on the plus strand (G>A on the coding strand, the complement: AKT1 is on the minus strand). VCF-style: chr14-104770409-C-T. GRCh37 (hg19) VCF-style: chr14-105236746-C-T.
Other names: c.1375G>A, p.Glu459Lys (NM_001014431.2, NM_001014432.2, NM_001382431.1 and 3 more transcripts); short protein forms E459K.
Identifiers: ClinVar variation 3518968 (VCV003518968.3).